The following is an entry in ClinVar:

ClinVar aggregate classification (germline): Benign/Likely benign. Review status: criteria provided, multiple submitters, no conflicts (2 of 4 stars). 3 submissions from 3 submitters: Benign (1); Likely benign (2). Last evaluated 2025-06-20.

Conditions:
Hereditary cancer-predisposing syndrome. Also called: Hereditary Cancer Syndrome; Neoplastic Syndromes, Hereditary; Tumor predisposition; Hereditary neoplastic syndrome. Identifiers: Orphanet 140162, MedGen C0027672, MeSH D009386, MONDO:0015356.
Fanconi anemia complementation group J. Also called: BRIP1-Related Fanconi Anemia. Identifiers: Orphanet 84, MedGen C1836860, MONDO:0012187, OMIM 609054.
Familial cancer of breast. Also called: Hereditary breast cancer; hereditary breast carcinoma; BREAST CANCER, FAMILIAL. Identifiers: Orphanet 227535, MedGen C0346153, MONDO:0016419, OMIM 114480. Disease mechanism: loss of function.

Allele frequency attached by ClinVar (database versions not stated): gnomAD exomes below 0.00001.
gnomAD v4.1: 2 of 1,614,146 alleles (0.00012%); highest among the groups gnomAD compares: Non-Finnish European, 0.00017%; no homozygotes.

Submissions (3):

Labcorp Genetics (formerly Invitae), Labcorp
Classification: Likely benign for Familial cancer of breast; Fanconi anemia complementation group J. Last evaluated: 2025-06-20. Review status: criteria provided, single submitter. Criteria: Invitae Variant Classification Sherloc (09022015). Collection method: clinical testing. Allele origin: germline.

Myriad Genetics, Inc.
Classification: Benign for Familial cancer of breast. Last evaluated: 2024-09-03. Review status: criteria provided, single submitter. Criteria: Myriad Autosomal Dominant, Autosomal Recessive and X-Linked Classification Criteria (2023). Collection method: clinical testing. Allele origin: unknown.
Comment: This variant is considered benign. This variant is a silent/synonymous amino acid change and it is not expected to impact splicing.

Ambry Genetics
Classification: Likely benign for Hereditary cancer-predisposing syndrome. Last evaluated: 2015-02-28. Review status: criteria provided, single submitter. Criteria: Ambry Variant Classification Scheme 2023. Collection method: clinical testing. Allele origin: germline.

NM_032043.3(BRIP1):c.1974G>T (p.Arg658=)

Gene: BRIP1 (BRCA1 interacting DNA helicase 1; minus strand). Cytogenetic location: 17q23.2.
Variant type: single nucleotide variant.
Coding change: c.1974G>T on transcript NM_032043.3 (MANE Select); coding-DNA position 1974, G replaced by T.
Protein change: p.Arg658=; no amino-acid change (arginine 658 retained).
Molecular consequence: synonymous variant.
Genome position (GRCh38, 1-based): chr17:61,776,524, C>A on the plus strand (G>T on the coding strand, the complement: BRIP1 is on the minus strand). VCF-style: chr17-61776524-C-A. GRCh37 (hg19) VCF-style: chr17-59853885-C-A.
Identifiers: ClinVar variation 230528 (VCV000230528.16), dbSNP rs876658617, ClinGen allele CA10580820.